The following is an entry in ClinVar:

ClinVar aggregate classification (germline): Likely benign. Review status: criteria provided, multiple submitters, no conflicts (2 of 4 stars). 2 submissions from 2 submitters: Likely benign (2). Last evaluated 2026-01-09.

Conditions:
Hereditary cancer-predisposing syndrome. Also called: Tumor predisposition; Hereditary neoplastic syndrome; Hereditary Cancer Syndrome; Neoplastic Syndromes, Hereditary. Identifiers: Orphanet 140162, MedGen C0027672, MeSH D009386, MONDO:0015356.
BAP1-related disorder. Also called: BAP1-related condition.

Submissions (2):

PreventionGenetics, part of Exact Sciences
Classification: Likely benign for BAP1-related condition. Last evaluated: 2026-01-09. Review status: criteria provided, single submitter. Criteria: ACMG Guidelines, 2015. Collection method: clinical testing. Allele origin: germline.
Comment: This variant is classified as likely benign based on ACMG/AMP sequence variant interpretation guidelines (Richards et al. 2015 PMID: 25741868, with internal and published modifications).

Ambry Genetics
Classification: Likely benign for Hereditary cancer-predisposing syndrome. Last evaluated: 2022-07-13. Review status: criteria provided, single submitter. Criteria: Ambry Variant Classification Scheme 2023. Collection method: clinical testing. Allele origin: germline.

NM_004656.4(BAP1):c.1455A>G (p.Ser485=)

Gene: BAP1 (BRCA1 associated deubiquitinase 1; minus strand). Cytogenetic location: 3p21.1.
Variant type: single nucleotide variant.
Coding change: c.1455A>G on transcript NM_004656.4 (MANE Select); coding-DNA position 1455, A replaced by G.
Protein change: p.Ser485=; no amino-acid change (serine 485 retained).
Molecular consequence: synonymous variant.
Genome position (GRCh38, 1-based): chr3:52,403,690, T>C on the plus strand (A>G on the coding strand, the complement: BAP1 is on the minus strand). VCF-style: chr3-52403690-T-C. GRCh37 (hg19) VCF-style: chr3-52437706-T-C.
Other names: c.1455A>G (NM_004656.3); c.1401A>G, p.Ser467= (NM_001410772.1).
Identifiers: ClinVar variation 1773028 (VCV001773028.3), dbSNP rs1578220787, ClinGen allele CA433886282.